The following is an entry in ClinVar:

ClinVar aggregate classification (germline): Uncertain significance (1 of 4 stars; one submission).

Conditions:
Gorlin syndrome. Also called: Nevoid Basal Cell Carcinoma Syndrome; Basal cell nevus syndrome. Identifiers: Orphanet 377, MedGen C0004779, MONDO:0007187.

Submission:

Labcorp Genetics (formerly Invitae), Labcorp
Classification: Uncertain significance for Gorlin syndrome. Last evaluated: 2025-08-18. Review status: criteria provided, single submitter. Criteria: Invitae Variant Classification Sherloc (09022015). Collection method: clinical testing. Allele origin: germline.
Comment: This sequence change replaces cysteine, which is neutral and slightly polar, with tryptophan, which is neutral and slightly polar, at codon 1365 of the PTCH1 protein (p.Cys1365Trp). This variant is not present in population databases (gnomAD no frequency). This variant has not been reported in the literature in individuals affected with PTCH1-related conditions. Invitae Evidence Modeling of protein sequence and biophysical properties (such as structural, functional, and spatial information, amino acid conservation, physicochemical variation, residue mobility, and thermodynamic stability) has been performed for this missense variant. However, the output from this modeling did not meet the statistical confidence thresholds required to predict the impact of this variant on PTCH1 protein function. In summary, the available evidence is currently insufficient to determine the role of this variant in disease. Therefore, it has been classified as a Variant of Uncertain Significance.

NM_000264.5(PTCH1):c.4095C>G (p.Cys1365Trp)

Gene: PTCH1 (patched 1; minus strand). Cytogenetic location: 9q22.32.
Variant type: single nucleotide variant.
Coding change: c.4095C>G on transcript NM_000264.5 (MANE Select); coding-DNA position 4095, C replaced by G.
Protein change: p.Cys1365Trp; replaces cysteine 1365 with tryptophan.
Molecular consequence: missense variant. On other transcripts: non-coding transcript variant (1).
Genome position (GRCh38, 1-based): chr9:95,447,161, G>C on the plus strand (C>G on the coding strand, the complement: PTCH1 is on the minus strand). VCF-style: chr9-95447161-G-C. GRCh37 (hg19) VCF-style: chr9-98209443-G-C.
Other names: c.3642C>G, p.Cys1214Trp (NM_001083607.3, NM_001083604.3, NM_001083605.3 and 1 more transcripts); c.3939C>G, p.Cys1313Trp (NM_001354918.2); c.3897C>G, p.Cys1299Trp (NM_001083602.3); c.4092C>G, p.Cys1364Trp (NM_001083603.3); short protein forms C1214W, C1299W, C1313W, C1364W, C1365W.
Identifiers: ClinVar variation 4801789 (VCV004801789.1).